The following is an entry in ClinVar:

NM_002203.4(ITGA2):c.2235G>T (p.Gln745His)

Gene: ITGA2 (integrin subunit alpha 2; plus strand). Cytogenetic location: 5q11.2.
Variant type: single nucleotide variant.
Coding change: c.2235G>T on transcript NM_002203.4 (MANE Select); coding-DNA position 2235, G replaced by T.
Protein change: p.Gln745His; replaces glutamine 745 with histidine.
Molecular consequence: missense variant. On other transcripts: non-coding transcript variant (5).
Genome position (GRCh38, 1-based): chr5:53,070,260, G>T. VCF-style: chr5-53070260-G-T. GRCh37 (hg19) VCF-style: chr5-52366090-G-T.
Other names: short protein forms Q745H.
Identifiers: ClinVar variation 906962 (VCV000906962.4), dbSNP rs267606593, ClinGen allele CA118866405.
Genomic context (GRCh38, chr5:53,070,260, plus strand): 5'-GCAGAAGAATATGGTAGTAAATCAAGCACAGAGTTGCCCCGAGCACATCATTTATATACA[G>T]GTAAGGCCTCAGGAACATCCCTTTTGACTTTATTTCTTCCTAAAGACGAGAGAGTGGTAA-3'
Protein context (NP_002194.2, residues 735-755): QSCPEHIIYI[Gln745His]EPSDVVNSLD

ClinVar aggregate classification (germline): Uncertain significance (1 of 4 stars; one submission).

Conditions:
Platelet-type bleeding disorder 9 (BDPLT9). Also called: GLYCOPROTEIN Ia DEFICIENCY; GP Ia DEFICIENCY; COLLAGEN PLATELET RECEPTOR DEFICIENCY. Identifiers: Orphanet 73271, Orphanet 98886, MedGen C3280114, MONDO:0013622, OMIM 614200.

Allele frequency attached by ClinVar (database versions not stated): gnomAD exomes below 0.00001; TOPMed 0.00001.
gnomAD v4.1: 6 of 1,611,458 alleles (0.00037%); highest among the groups gnomAD compares: Admixed American, 0.005%; no homozygotes.

Submission:

Illumina Laboratory Services, Illumina
Classification: Uncertain significance for Platelet-type bleeding disorder 9. Last evaluated: 2017-04-27. Review status: criteria provided, single submitter. Criteria: ICSL Variant Classification Criteria 13 December 2019. Collection method: clinical testing. Allele origin: germline.
Comment: This variant was observed as part of a predisposition screen in an ostensibly healthy population. A literature search was performed for the gene, cDNA change, and amino acid change (where applicable). Publications were found based on this search. However, the evidence from the literature, in combination with allele frequency data from public databases where available, was not sufficient to rule this variant in or out of causing disease. Therefore, this variant is classified as a variant of unknown significance.

Literature cited by the submitters: PubMed 22862885; PubMed 19500323.